The following is an entry in ClinVar:

NM_001999.4(FBN2):c.1789A>C (p.Ser597Arg)

Gene: FBN2 (fibrillin 2; minus strand). Cytogenetic location: 5q23.3.
Variant type: single nucleotide variant.
Coding change: c.1789A>C on transcript NM_001999.4 (MANE Select); coding-DNA position 1789, A replaced by C.
Protein change: p.Ser597Arg; replaces serine 597 with arginine.
Molecular consequence: missense variant.
Genome position (GRCh38, 1-based): chr5:128,377,812, T>G on the plus strand (A>C on the coding strand, the complement: FBN2 is on the minus strand). VCF-style: chr5-128377812-T-G. GRCh37 (hg19) VCF-style: chr5-127713505-T-G.
Other names: short protein forms S597R.
Identifiers: ClinVar variation 1684739 (VCV001684739.2), dbSNP rs1033872078, ClinGen allele CA127023828.

ClinVar aggregate classification (germline): Uncertain significance (1 of 4 stars; one submission).

Conditions:
Congenital contractural arachnodactyly (CCA). Also called: BEALS SYNDROME; Beals-Hecht syndrome; Arthrogryposis, distal, type 9. Identifiers: Orphanet 115, MedGen C0220668, MONDO:0007363, OMIM 121050.

Allele frequency attached by ClinVar (database versions not stated): gnomAD exomes below 0.00001.
gnomAD v4.1: 2 of 1,613,624 alleles (0.00012%); highest among the groups gnomAD compares: Admixed American, 0.0017%; no homozygotes.

Submission:

Mendelics
Classification: Uncertain significance. Last evaluated: 2022-05-04. Review status: criteria provided, single submitter. Criteria: Mendelics Assertion Criteria 2019. Collection method: clinical testing. Allele origin: germline.